The following is an entry in ClinVar:

NM_024675.4(PALB2):c.901_902delinsAT (p.Asp301Ile)

Gene: PALB2 (partner and localizer of BRCA2; minus strand). Cytogenetic location: 16p12.2.
Variant type: Indel.
Coding change: c.901_902delinsAT on transcript NM_024675.4 (MANE Select); coding-DNA positions 901 to 902, GA replaced by AT.
Protein change: p.Asp301Ile; replaces aspartic acid 301 with isoleucine.
Molecular consequence: missense variant. On other transcripts: intron variant (3).
Genome position (GRCh38, 1-based): chr16:23,635,644-23,635,645, TC replaced by AT on the plus strand (GA replaced by AT on the coding strand, the reverse complement: PALB2 is on the minus strand). VCF-style: chr16-23635644-TC-AT. GRCh37 (hg19) VCF-style: chr16-23646965-TC-AT.
Other names: c.841_842delinsAT, p.Asp281Ile (NM_001407296.1); c.901_902delinsAT, p.Asp301Ile (NM_001407297.1, NM_001407298.1, NM_001407299.1 and 3 more transcripts); c.16_17delinsAT, p.Asp6Ile (NM_001407304.1, NM_001407305.1, NM_001407306.1 and 5 more transcripts); c.48+5465_48+5466delinsAT (NM_001407314.1); c.-104-5176_-104-5175delinsAT (NM_001407313.1, NM_001407312.1); short protein forms D281I, D301I, D6I.
Identifiers: ClinVar variation 3228046 (VCV003228046.1), dbSNP rs2506496260, ClinGen allele CA2825002429.

ClinVar aggregate classification (germline): Uncertain significance (1 of 4 stars; one submission).

Conditions:
Hereditary cancer-predisposing syndrome. Also called: Neoplastic Syndromes, Hereditary; Tumor predisposition; Hereditary neoplastic syndrome; Hereditary Cancer Syndrome. Identifiers: Orphanet 140162, MedGen C0027672, MeSH D009386, MONDO:0015356.

Submission:

Ambry Genetics
Classification: Uncertain significance for Hereditary cancer-predisposing syndrome. Last evaluated: 2023-09-21. Review status: criteria provided, single submitter. Criteria: Ambry Variant Classification Scheme 2023. Collection method: clinical testing. Allele origin: germline.
Comment: The c.901_902delGAinsAT variant (also known as p.D301I), located in coding exon 4 of the PALB2 gene, results from an in-frame deletion of GA and insertion of AT at nucleotide positions 901 to 902. This results in the substitution of the aspartic acid residue for an isoleucine residue at codon 301, an amino acid with highly dissimilar properties. This amino acid position is not well conserved in available vertebrate species. In addition, the in silico prediction for this alteration is inconclusive (Choi Y et al. PLoS ONE. 2012; 7(10):e46688). Since supporting evidence is limited at this time, the clinical significance of this alteration remains unclear.